The following is an entry in ClinVar:

ClinVar aggregate classification (germline): Uncertain significance. Review status: criteria provided, multiple submitters, no conflicts (2 of 4 stars). 2 submissions from 2 submitters: Uncertain significance (2). Last evaluated 2025-03-10.

Conditions:
Inborn genetic diseases. Identifiers: MedGen C0950123, MeSH D030342.

gnomAD v4.1: 4 of 1,613,968 alleles (0.00025%); highest among the groups gnomAD compares: African/African-American, 0.0027%; no homozygotes.

Submissions (2):

Labcorp Genetics (formerly Invitae), Labcorp
Classification: Uncertain significance. Last evaluated: 2025-03-10. Review status: criteria provided, single submitter. Criteria: Invitae Variant Classification Sherloc (09022015). Collection method: clinical testing. Allele origin: germline.
Comment: This sequence change replaces proline, which is neutral and non-polar, with serine, which is neutral and polar, at codon 895 of the ADNP protein (p.Pro895Ser). This variant is not present in population databases (gnomAD no frequency). This variant has not been reported in the literature in individuals affected with ADNP-related conditions. ClinVar contains an entry for this variant (Variation ID: 2534932). An algorithm developed to predict the effect of missense changes on protein structure and function (PolyPhen-2) suggests that this variant is likely to be tolerated. In summary, the available evidence is currently insufficient to determine the role of this variant in disease. Therefore, it has been classified as a Variant of Uncertain Significance.

Ambry Genetics
Classification: Uncertain significance for Inborn genetic diseases. Last evaluated: 2023-04-07. Review status: criteria provided, single submitter. Criteria: Ambry Variant Classification Scheme 2023. Collection method: clinical testing. Allele origin: germline.

NM_001282531.3(ADNP):c.2683C>T (p.Pro895Ser)

Gene: ADNP (activity dependent neuroprotector homeobox; minus strand). Cytogenetic location: 20q13.13.
Variant type: single nucleotide variant.
Coding change: c.2683C>T on transcript NM_001282531.3 (MANE Select); coding-DNA position 2683, C replaced by T.
Protein change: p.Pro895Ser; replaces proline 895 with serine.
Molecular consequence: missense variant.
Genome position (GRCh38, 1-based): chr20:50,892,031, G>A on the plus strand (C>T on the coding strand, the complement: ADNP is on the minus strand). VCF-style: chr20-50892031-G-A. GRCh37 (hg19) VCF-style: chr20-49508568-G-A.
Other names: c.2683C>T, p.Pro895Ser (NM_001282532.2, NM_001347511.2, NM_015339.5 and 1 more transcripts); short protein forms P895S.
Identifiers: ClinVar variation 2534932 (VCV002534932.3), dbSNP rs1475885834, ClinGen allele CA408968257.